The following is an entry in ClinVar:

ClinVar aggregate classification (germline): Benign. Review status: criteria provided, single submitter (1 of 4 stars). 2 submissions from 2 submitters: Benign (1). 1 of the submissions does not count toward it. Last evaluated 2025-01-10.

Conditions:
Familial cancer of breast. Also called: BREAST CANCER, FAMILIAL; Hereditary breast cancer; hereditary breast carcinoma. Identifiers: Orphanet 227535, MedGen C0346153, MONDO:0016419, OMIM 114480. Disease mechanism: loss of function.

Allele frequency attached by ClinVar (database versions not stated): gnomAD exomes below 0.00001.
gnomAD v4.1: 1 of 1,614,074 alleles (0.000062%); highest among the groups gnomAD compares: Non-Finnish European, 0.000085%; no homozygotes.

Submissions (2):

Myriad Genetics, Inc.
Classification: Benign for Familial cancer of breast. Last evaluated: 2025-01-10. Review status: criteria provided, single submitter. Criteria: Myriad Autosomal Dominant, Autosomal Recessive and X-Linked Classification Criteria (2023). Collection method: clinical testing. Allele origin: unknown.
Comment: This variant is considered benign. This variant is a silent/synonymous amino acid change and it is not expected to impact splicing.

Leiden Open Variation Database
Classification: Uncertain significance. Last evaluated: 2018-10-10. Review status: no assertion criteria provided. Collection method: curation. Allele origin: germline. Affected: yes. Not counted in ClinVar's aggregate classification.
Comment: Curators: Marc Tischkowitz, Arleen D. Auerbach. Submitter to LOVD: Yukihide Momozawa.

Literature cited by the submitters: PubMed 30287823 (cited by Leiden Open Variation Database).

NM_024675.4(PALB2):c.780G>A (p.Gln260=)

Gene: PALB2 (partner and localizer of BRCA2; minus strand). Cytogenetic location: 16p12.2.
Variant type: single nucleotide variant.
Coding change: c.780G>A on transcript NM_024675.4 (MANE Select); coding-DNA position 780, G replaced by A.
Protein change: p.Gln260=; no amino-acid change (glutamine 260 retained).
Molecular consequence: synonymous variant.
Genome position (GRCh38, 1-based): chr16:23,635,766, C>T on the plus strand (G>A on the coding strand, the complement: PALB2 is on the minus strand). VCF-style: chr16-23635766-C-T. GRCh37 (hg19) VCF-style: chr16-23647087-C-T.
Identifiers: ClinVar variation 830118 (VCV000830118.2), dbSNP rs1967021342, ClinGen allele CA494461592.